The following is an entry in ClinVar:

NM_007294.4(BRCA1):c.1295T>C (p.Leu432Pro)

Gene: BRCA1 (BRCA1 DNA repair associated; minus strand). Cytogenetic location: 17q21.31.
Variant type: single nucleotide variant.
Coding change: c.1295T>C on transcript NM_007294.4 (MANE Select); coding-DNA position 1295, T replaced by C.
Protein change: p.Leu432Pro; replaces leucine 432 with proline.
Molecular consequence: missense variant. On other transcripts: intron variant (137).
Genome position (GRCh38, 1-based): chr17:43,094,236, A>G on the plus strand (T>C on the coding strand, the complement: BRCA1 is on the minus strand). VCF-style: chr17-43094236-A-G. GRCh37 (hg19) VCF-style: chr17-41246253-A-G.
Other names: 1414T>C; c.1082T>C, p.Leu361Pro (NM_001407894.1, NM_001407915.1, NM_001407916.1 and 9 more transcripts); c.1085T>C, p.Leu362Pro (NM_001407908.1, NM_001407909.1, NM_001407910.1 and 13 more transcripts); c.1172T>C, p.Leu391Pro (NM_001407919.1, NM_001407937.1, NM_001407938.1 and 19 more transcripts); c.1031T>C, p.Leu344Pro (NM_001407920.1, NM_001407933.1, NM_001407935.1 and 9 more transcripts); c.1028T>C, p.Leu343Pro (NM_001407931.1, NM_001407932.1, NM_001407934.1 and 2 more transcripts); c.962T>C, p.Leu321Pro (NM_001407950.1, NM_001407951.1, NM_001407952.1 and 6 more transcripts); c.959T>C, p.Leu320Pro (NM_001407954.1, NM_001407955.1, NM_001407956.1 and 1 more transcripts); and 41 more; short protein forms L432P, L385P, L136P, L304P, L305P, L343P, L390P, L431P.
Identifiers: ClinVar variation 156183 (VCV000156183.18), dbSNP rs369394098, ClinGen allele CA000847.

ClinVar aggregate classification (germline): Conflicting classifications of pathogenicity. Review status: criteria provided, conflicting classifications (1 of 4 stars). 5 submissions from 5 submitters: Uncertain significance (3); Likely benign (1). 1 of the submissions does not count toward it. Last evaluated 2025-06-27.

Conditions:
Hereditary cancer-predisposing syndrome. Also called: Tumor predisposition; Hereditary neoplastic syndrome; Hereditary Cancer Syndrome; Neoplastic Syndromes, Hereditary. Identifiers: Orphanet 140162, MedGen C0027672, MeSH D009386, MONDO:0015356.
Hereditary breast ovarian cancer syndrome. Also called: Hereditary breast and/or ovarian cancer syndrome; Breast and ovarian cancer; Hereditary breast and ovarian cancer syndrome; Hereditary breast and ovarian cancer; Hereditary breast and ovarian cancer syndrome (HBOC); BRCA1- and BRCA2-Associated Hereditary Breast and Ovarian Cancer. Identifiers: Orphanet 145, MedGen C0677776, MeSH D061325, MONDO:0003582. Disease mechanism: loss of function.
Breast-ovarian cancer, familial, susceptibility to, 1 (BROVCA1). Also called: BRCA1 Hereditary Breast and Ovarian Cancer; OVARIAN CANCER, SUSCEPTIBILITY TO. Identifiers: Orphanet 145, MedGen C2676676, MONDO:0011450, OMIM 604370. Disease mechanism: loss of function.

Allele frequency attached by ClinVar (database versions not stated): gnomAD exomes below 0.00001.
gnomAD v4.1: 2 of 1,614,136 alleles (0.00012%); highest among the groups gnomAD compares: East Asian, 0.0045%; no homozygotes.

Submissions (5):

Labcorp Genetics (formerly Invitae), Labcorp
Classification: Uncertain significance for Hereditary breast ovarian cancer syndrome. Last evaluated: 2025-06-27. Review status: criteria provided, single submitter. Criteria: Invitae Variant Classification Sherloc (09022015). Collection method: clinical testing. Allele origin: germline.
Comment: This sequence change replaces leucine, which is neutral and non-polar, with proline, which is neutral and non-polar, at codon 432 of the BRCA1 protein (p.Leu432Pro). This variant is present in population databases (rs369394098, gnomAD 0.006%). This variant has not been reported in the literature in individuals affected with BRCA1-related conditions. ClinVar contains an entry for this variant (Variation ID: 156183). Invitae Evidence Modeling of protein sequence and biophysical properties (such as structural, functional, and spatial information, amino acid conservation, physicochemical variation, residue mobility, and thermodynamic stability) indicates that this missense variant is not expected to disrupt BRCA1 protein function with a negative predictive value of 80%. In summary, the available evidence is currently insufficient to determine the role of this variant in disease. Therefore, it has been classified as a Variant of Uncertain Significance.

Ambry Genetics
Classification: Uncertain significance for Hereditary cancer-predisposing syndrome. Last evaluated: 2024-06-06. Review status: criteria provided, single submitter. Criteria: Ambry Variant Classification Scheme 2023. Collection method: clinical testing. Allele origin: germline.
Comment: The p.L432P variant (also known as c.1295T>C), located in coding exon 9 of the BRCA1 gene, results from a T to C substitution at nucleotide position 1295. The leucine at codon 432 is replaced by proline, an amino acid with similar properties. This amino acid position is poorly conserved in available vertebrate species. In addition, this alteration is predicted to be deleterious by in silico analysis. Since supporting evidence is limited at this time, the clinical significance of this alteration remains unclear.

University of Washington Department of Laboratory Medicine, University of Washington
Classification: Likely benign for Hereditary cancer-predisposing syndrome. Last evaluated: 2023-03-23. Review status: criteria provided, single submitter. Criteria: Dines et al. (Genet Med. 2020). Collection method: curation. Allele origin: germline.
Comment: Missense variant in a coldspot region where missense variants are very unlikely to be pathogenic (PMID:31911673).

BRCA1 coldspot (exon 11 using historical exon numbering). Reclassification based on statistical prior probability

GeneDx
Classification: Uncertain significance. Last evaluated: 2022-11-01. Review status: criteria provided, single submitter. Criteria: GeneDx Variant Classification Process June 2021. Collection method: clinical testing. Allele origin: germline. Affected: yes.
Comment: Not observed at significant frequency in large population cohorts (gnomAD); In silico analysis supports that this missense variant has a deleterious effect on protein structure/function; Has not been previously published as pathogenic or benign to our knowledge; Also known as 1414T>C; This variant is associated with the following publications: (PMID: 10426999, 20215511, 15343273, 9926942, 9582019)

Sharing Clinical Reports Project (SCRP)
Classification: Uncertain significance for Breast-ovarian cancer, familial 1. Last evaluated: 2013-01-07. Review status: no assertion criteria provided. Collection method: clinical testing. Allele origin: germline. Not counted in ClinVar's aggregate classification.